The following is an entry in ClinVar:

NM_001354604.2(MITF):c.1522T>G (p.Ser508Ala)

Gene: MITF (melanocyte inducing transcription factor; plus strand). Cytogenetic location: 3p13.
Variant type: single nucleotide variant.
Coding change: c.1522T>G on transcript NM_001354604.2 (MANE Select); coding-DNA position 1522, T replaced by G.
Protein change: p.Ser508Ala; replaces serine 508 with alanine.
Molecular consequence: missense variant.
Genome position (GRCh38, 1-based): chr3:69,965,189, T>G. VCF-style: chr3-69965189-T-G. GRCh37 (hg19) VCF-style: chr3-70014340-T-G.
Other names: c.1201T>G, p.Ser401Ala (NM_000248.4); c.1348T>G, p.Ser450Ala (NM_001184967.2, NM_001354608.2); c.1519T>G, p.Ser507Ala (NM_001354605.2); c.1501T>G, p.Ser501Ala (NM_001354606.2, NM_006722.3); c.1453T>G, p.Ser485Ala (NM_001354607.2); c.1183T>G, p.Ser395Ala (NM_198158.3); c.1504T>G, p.Ser502Ala (NM_198159.3); c.1456T>G, p.Ser486Ala (NM_198177.3); and 1 more; short protein forms S339A, S395A, S401A, S450A, S485A, S486A, S501A, S502A.
Identifiers: ClinVar variation 3755903 (VCV003755903.2).
Genomic context (GRCh38, chr3:69,965,189, plus strand): 5'-GACACCCTTTCTCCCGTCGGTGTCACTGATCCACTCCTTTCCTCAGTGTCCCCCGGAGCT[T>G]CCAAAACAAGCAGCCGGAGGAGCAGTATGAGCATGGAAGAGACGGAGCACACTTGTTAGC-3'
Protein context (NP_001341533.1, residues 498-518): PLLSSVSPGA[Ser508Ala]KTSSRRSSMS

ClinVar aggregate classification (germline): Uncertain significance (1 of 4 stars; one submission).

Conditions:
Tietz syndrome (TADS). Also called: HYPOPIGMENTATION/DEAFNESS OF TIETZ; TIETZ ALBINISM-DEAFNESS SYNDROME; ALBINISM-DEAFNESS OF TIETZ. Identifiers: Orphanet 42665, MedGen C0391816, MONDO:0007077, OMIM 103500.
Waardenburg syndrome type 2A (WS2A). Also called: WAARDENBURG SYNDROME WITHOUT DYSTOPIA CANTHORUM. Identifiers: Orphanet 3440, MedGen C1860339, MONDO:0008671, OMIM 193510.
Melanoma, cutaneous malignant, susceptibility to, 8. Also called: MELANOMA AND RENAL CELL CARCINOMA, SUSCEPTIBILITY TO; Cutaneous malignant melanoma 8. Identifiers: Orphanet 293822, MedGen C3152204, MONDO:0013759, OMIM 614456.

Submission:

Labcorp Genetics (formerly Invitae), Labcorp
Classification: Uncertain significance for Melanoma, cutaneous malignant, susceptibility to, 8; Waardenburg syndrome type 2A; Tietz syndrome. Last evaluated: 2024-04-17. Review status: criteria provided, single submitter. Criteria: Invitae Variant Classification Sherloc (09022015). Collection method: clinical testing. Allele origin: germline.
Comment: This sequence change replaces serine, which is neutral and polar, with alanine, which is neutral and non-polar, at codon 401 of the MITF protein (p.Ser401Ala). This variant is not present in population databases (gnomAD no frequency). This variant has not been reported in the literature in individuals affected with MITF-related conditions. Advanced modeling of protein sequence and biophysical properties (such as structural, functional, and spatial information, amino acid conservation, physicochemical variation, residue mobility, and thermodynamic stability) performed at Invitae indicates that this missense variant is expected to disrupt MITF protein function with a positive predictive value of 80%. In summary, the available evidence is currently insufficient to determine the role of this variant in disease. Therefore, it has been classified as a Variant of Uncertain Significance.